The following is an entry in ClinVar:

ClinVar aggregate classification (germline): Uncertain significance (1 of 4 stars; one submission).

gnomAD v4.1: 12 of 1,613,588 alleles (0.00074%); highest among the groups gnomAD compares: South Asian, 0.012%; no homozygotes.

Submission:

Labcorp Genetics (formerly Invitae), Labcorp
Classification: Uncertain significance. Last evaluated: 2024-12-18. Review status: criteria provided, single submitter. Criteria: Invitae Variant Classification Sherloc (09022015). Collection method: clinical testing. Allele origin: germline.
Comment: This sequence change replaces serine, which is neutral and polar, with glycine, which is neutral and non-polar, at codon 1002 of the ITPR1 protein (p.Ser1002Gly). This variant is present in population databases (rs770224244, gnomAD 0.01%). This variant has not been reported in the literature in individuals affected with ITPR1-related conditions. An algorithm developed to predict the effect of missense changes on protein structure and function (PolyPhen-2) suggests that this variant is likely to be tolerated. In summary, the available evidence is currently insufficient to determine the role of this variant in disease. Therefore, it has been classified as a Variant of Uncertain Significance.

NM_001378452.1(ITPR1):c.3076A>G (p.Ser1026Gly)

Gene: ITPR1 (inositol 1,4,5-trisphosphate receptor type 1; plus strand). Cytogenetic location: 3p26.1.
Variant type: single nucleotide variant.
Coding change: c.3076A>G on transcript NM_001378452.1 (MANE Select); coding-DNA position 3076, A replaced by G.
Protein change: p.Ser1026Gly; replaces serine 1026 with glycine.
Molecular consequence: missense variant.
Genome position (GRCh38, 1-based): chr3:4,680,661, A>G. VCF-style: chr3-4680661-A-G. GRCh37 (hg19) VCF-style: chr3-4722345-A-G.
Other names: c.3049A>G, p.Ser1017Gly (NM_001099952.4); c.3031A>G, p.Ser1011Gly (NM_001168272.2); c.3004A>G, p.Ser1002Gly (NM_002222.7); short protein forms S1017G, S1002G, S1011G, S1026G.
Identifiers: ClinVar variation 3710816 (VCV003710816.2).